The following is an entry in ClinVar:

ClinVar aggregate classification (germline): Conflicting classifications of pathogenicity. Review status: criteria provided, conflicting classifications (1 of 4 stars). 8 submissions from 4 submitters: Uncertain significance (4); Benign (2); Likely benign (2). Last evaluated 2024-06-19.

Conditions:
Tibial muscular dystrophy (TMD). Also called: Tibial muscular dystrophy, tardive; UDD MYOPATHY; Udd Distal Myopathy – Tibial Muscular Dystrophy. Identifiers: Orphanet 609, MedGen C1838244, MONDO:0010870, OMIM 600334.
Autosomal recessive limb-girdle muscular dystrophy type 2J (LGMDR10). Also called: Limb-girdle muscular dystrophy, type 2J; MUSCULAR DYSTROPHY, LIMB-GIRDLE, AUTOSOMAL RECESSIVE 10. Identifiers: Orphanet 140922, MedGen C1837342, MONDO:0012127, OMIM 608807.
Dilated cardiomyopathy 1G (CMD1G). Identifiers: Orphanet 154, MedGen C1858763, MONDO:0011400, OMIM 604145.
Myopathy, myofibrillar, 9, with early respiratory failure (MFM9). Also called: Hereditary myopathy with early respiratory failure; Myopathy, distal, with early respiratory failure, autosomal dominant; EDSTROM MYOPATHY; MYOPATHY, PROXIMAL, WITH EARLY RESPIRATORY MUSCLE INVOLVEMENT. Identifiers: Orphanet 178464, Orphanet 34521, MedGen C1863599, MONDO:0011362, OMIM 603689.
Early-onset myopathy with fatal cardiomyopathy (CMYO5). Also called: Salih Myopathy; CONGENITAL MYOPATHY 5 WITH CARDIOMYOPATHY. Identifiers: Orphanet 289377, MedGen C2673677, MONDO:0012714, OMIM 611705. Disease mechanism: loss of function.

Allele frequency attached by ClinVar (database versions not stated): gnomAD below 0.00001 and 0.00005; TOPMed below 0.00001; gnomAD exomes 0.00008 and 0.00017; ExAC 0.00019; 1000 Genomes Project 0.00040; 1000 Genomes Project 30x 0.00047.
gnomAD v4.1: 119 of 1,612,884 alleles (0.0074%); highest among the groups gnomAD compares: South Asian, 0.12%; no homozygotes.

Submissions (8):

Blueprint Genetics
Classification: Likely benign. Last evaluated: 2024-06-19. Review status: criteria provided, single submitter. Criteria: ACMG Guidelines, 2015. Collection method: clinical testing. Allele origin: germline.

Revvity Omics, Revvity
Classification: Uncertain significance. Last evaluated: 2022-07-28. Review status: criteria provided, single submitter. Criteria: ACMG Guidelines, 2015. Collection method: clinical testing. Allele origin: germline.

GeneDx
Classification: Likely benign. Last evaluated: 2020-02-28. Review status: criteria provided, single submitter. Criteria: GeneDx Variant Classification Process June 2021. Collection method: clinical testing. Allele origin: germline. Affected: yes.

Illumina Laboratory Services, Illumina
Classification: Uncertain significance for Dilated cardiomyopathy 1G. Last evaluated: 2018-01-12. Review status: criteria provided, single submitter. Criteria: ICSL Variant Classification Criteria 13 December 2019. Collection method: clinical testing. Allele origin: germline.

Illumina Laboratory Services, Illumina
Classification: Benign for Tibial muscular dystrophy. Last evaluated: 2018-01-12. Review status: criteria provided, single submitter. Criteria: ICSL Variant Classification Criteria 13 December 2019. Collection method: clinical testing. Allele origin: germline.
Comment: This variant was observed in the ICSL laboratory as part of a predisposition screen in an ostensibly healthy population. It had not been previously curated by ICSL or reported in the Human Gene Mutation Database (HGMD: prior to June 1st, 2018), and was therefore a candidate for classification through an automated scoring system. Utilizing variant allele frequency, disease prevalence and penetrance estimates, and inheritance mode, an automated score was calculated to assess if this variant is too frequent to cause the disease. Based on the score and internal cut-off values, a variant classified as benign is not then subjected to further curation. The score for this variant resulted in a classification of benign for this disease.

Illumina Laboratory Services, Illumina
Classification: Benign for Myopathy, myofibrillar, 9, with early respiratory failure. Last evaluated: 2018-01-12. Review status: criteria provided, single submitter. Criteria: ICSL Variant Classification Criteria 13 December 2019. Collection method: clinical testing. Allele origin: germline.
Comment: the same text as in the submission from Illumina Laboratory Services, Illumina above.

Illumina Laboratory Services, Illumina
Classification: Uncertain significance for Autosomal recessive limb-girdle muscular dystrophy type 2J. Last evaluated: 2018-01-12. Review status: criteria provided, single submitter. Criteria: ICSL Variant Classification Criteria 13 December 2019. Collection method: clinical testing. Allele origin: germline.

Illumina Laboratory Services, Illumina
Classification: Uncertain significance for Early-onset myopathy with fatal cardiomyopathy. Last evaluated: 2018-01-12. Review status: criteria provided, single submitter. Criteria: ICSL Variant Classification Criteria 13 December 2019. Collection method: clinical testing. Allele origin: germline.

NM_001267550.2(TTN):c.63287T>A (p.Ile21096Asn)

Genes: TTN-AS1 (TTN antisense RNA 1; plus strand), TTN (titin; minus strand). Cytogenetic location: 2q31.2.
Variant type: single nucleotide variant.
Coding change: c.63287T>A on transcript NM_001267550.2 (MANE Select); coding-DNA position 63287, T replaced by A.
Protein change: p.Ile21096Asn; replaces isoleucine 21096 with asparagine.
Molecular consequence: missense variant.
Genome position (GRCh38, 1-based): chr2:178,588,120, A>T on the plus strand (T>A on the coding strand, the complement: TTN is on the minus strand). VCF-style: chr2-178588120-A-T. GRCh37 (hg19) VCF-style: chr2-179452847-A-T.
Other names: c.58364T>A, p.Ile19455Asn (NM_001256850.1); c.36092T>A, p.Ile12031Asn (NM_003319.4); c.55583T>A, p.Ile18528Asn (NM_133378.4); c.36467T>A, p.Ile12156Asn (NM_133432.3); c.36668T>A, p.Ile12223Asn (NM_133437.4); short protein forms I18528N, I21096N, I19455N, I12031N, I12156N, I12223N.
Identifiers: ClinVar variation 332813 (VCV000332813.10), dbSNP rs558727238, ClinGen allele CA1992113.